The following is an entry in ClinVar:

NM_000038.6(APC):c.4525C>T (p.Leu1509=)

Gene: APC (APC regulator of Wnt signaling pathway; plus strand). Cytogenetic location: 5q22.2.
Variant type: single nucleotide variant.
Coding change: c.4525C>T on transcript NM_000038.6 (MANE Select); coding-DNA position 4525, C replaced by T.
Protein change: p.Leu1509=; no amino-acid change (leucine 1509 retained).
Molecular consequence: synonymous variant.
Genome position (GRCh38, 1-based): chr5:112,840,119, C>T. VCF-style: chr5-112840119-C-T. GRCh37 (hg19) VCF-style: chr5-112175816-C-T.
Other names: c.4471C>T, p.Leu1491= (NM_001127511.3); c.4402C>T, p.Leu1468= (NM_001354900.2); c.4579C>T, p.Leu1527= (NM_001354896.2); c.4555C>T, p.Leu1519= (NM_001354897.2); c.4450C>T, p.Leu1484= (NM_001354898.2); c.4441C>T, p.Leu1481= (NM_001354899.2); c.4525C>T, p.Leu1509= (NM_001354895.2, NM_001127510.3); c.4348C>T, p.Leu1450= (NM_001354901.2); and 5 more.
Identifiers: ClinVar variation 135703 (VCV000135703.18), dbSNP rs572839648, ClinGen allele CA009609.

ClinVar aggregate classification (germline): Conflicting classifications of pathogenicity. Review status: criteria provided, conflicting classifications (1 of 4 stars). 7 submissions from 7 submitters: Uncertain significance (1); Benign (1); Likely benign (5). Last evaluated 2026-02-03.

Conditions:
Familial adenomatous polyposis 1 (FAP1). Also called: FAMILIAL ADENOMATOUS POLYPOSIS 1, ATTENUATED; POLYPOSIS, ADENOMATOUS INTESTINAL. Identifiers: MedGen C2713442, MONDO:0021056, OMIM 175100. Disease mechanism: loss of function.
Classic or attenuated familial adenomatous polyposis. Identifiers: MedGen CN372698, MONDO:0021057.
Hereditary cancer-predisposing syndrome. Also called: Tumor predisposition; Hereditary neoplastic syndrome; Neoplastic Syndromes, Hereditary; Hereditary Cancer Syndrome. Identifiers: Orphanet 140162, MedGen C0027672, MeSH D009386, MONDO:0015356.

Allele frequency attached by ClinVar (database versions not stated): gnomAD 0.00002; ExAC 0.00003; gnomAD exomes 0.00003; 1000 Genomes Project 0.00060; 1000 Genomes Project 30x 0.00062.
gnomAD v4.1: 19 of 1,614,060 alleles (0.0012%); highest among the groups gnomAD compares: South Asian, 0.016%; no homozygotes.

Submissions (7):

Labcorp Genetics (formerly Invitae), Labcorp
Classification: Likely benign for Familial adenomatous polyposis 1. Last evaluated: 2026-02-03. Review status: criteria provided, single submitter. Criteria: Invitae Variant Classification Sherloc (09022015). Collection method: clinical testing. Allele origin: germline.

Myriad Genetics, Inc.
Classification: Benign for Familial adenomatous polyposis 1. Last evaluated: 2024-03-27. Review status: criteria provided, single submitter. Criteria: Myriad Autosomal Dominant, Autosomal Recessive and X-Linked Classification Criteria (2023). Collection method: clinical testing. Allele origin: unknown.
Comment: This variant is considered benign. This variant is a silent/synonymous amino acid change and it is not expected to impact splicing.

All of Us Research Program, National Institutes of Health
Classification: Likely benign for Classic or attenuated familial adenomatous polyposis. Last evaluated: 2023-06-15. Review status: criteria provided, single submitter. Criteria: ACMG Guidelines, 2015. Collection method: clinical testing. Allele origin: germline. Inheritance: Autosomal dominant inheritance. Observed: 1 variant allele, 1 heterozygote.
Comment: This study involves interpretation of variants in research participants for the purpose of population health screening. Participant phenotype was not available at the time of variant classification. Additional details can be found in publication PMID: 35346344, PMCID: PMC8962531

Quest Diagnostics Nichols Institute San Juan Capistrano
Classification: Likely benign. Last evaluated: 2023-02-01. Review status: criteria provided, single submitter. Criteria: Quest Diagnostics criteria. Collection method: clinical testing. Allele origin: unknown.

Sema4
Classification: Uncertain significance for Hereditary cancer-predisposing syndrome. Last evaluated: 2021-08-09. Review status: criteria provided, single submitter. Criteria: Sema4 Curation Guidelines. Collection method: curation. Allele origin: germline.
Comment: The APC c.4525C>T (p.L1509=) variant has not been reported in the literature to our knowledge. This variant was observed in 7/30606 chromosomes in the African/African American population, according to the Genome Aggregation Database (PMID: 32461654). This variant has been reported in ClinVar (Variation ID 135703). The nucleotide is conserved and in silico tools suggest that this variant does not impact splicing, though these predictions have not been confirmed by functional studies. The overall evidence is insufficient to meet ACMG/AMP criteria for classifying it as benign or pathogenic. In summary, the clinical significance of this variant is currently uncertain.

Color Diagnostics, LLC DBA Color Health
Classification: Likely benign for Hereditary cancer-predisposing syndrome. Last evaluated: 2018-11-12. Review status: criteria provided, single submitter. Criteria: ACMG Guidelines, 2015. Collection method: clinical testing. Allele origin: germline.

Ambry Genetics
Classification: Likely benign for Hereditary cancer-predisposing syndrome. Last evaluated: 2018-03-18. Review status: criteria provided, single submitter. Criteria: Ambry Variant Classification Scheme 2023. Collection method: clinical testing. Allele origin: germline.